The following is an entry in ClinVar:

ClinVar aggregate classification (germline): Uncertain significance. Review status: criteria provided, multiple submitters, no conflicts (2 of 4 stars). 2 submissions from 2 submitters: Uncertain significance (2). Last evaluated 2025-12-31.

Allele frequency attached by ClinVar (database versions not stated): ESP Exome Variant Server 0.00008; TOPMed below 0.00001; ExAC 0.00001; gnomAD 0.00001; 1000 Genomes Project 30x 0.00016; gnomAD exomes 0.00001.
gnomAD v4.1: 10 of 1,613,888 alleles (0.00062%); highest among the groups gnomAD compares: East Asian, 0.0022%; no homozygotes.

Submissions (2):

Labcorp Genetics (formerly Invitae), Labcorp
Classification: Uncertain significance. Last evaluated: 2025-12-31. Review status: criteria provided, single submitter. Criteria: Invitae Variant Classification Sherloc (09022015). Collection method: clinical testing. Allele origin: germline.
Comment: This sequence change replaces serine, which is neutral and polar, with phenylalanine, which is neutral and non-polar, at codon 1076 of the LTBP4 protein (p.Ser1076Phe). This variant is present in population databases (rs374227557, gnomAD 0.0009%). This variant has not been reported in the literature in individuals affected with LTBP4-related conditions. ClinVar contains an entry for this variant (Variation ID: 1194550). Experimental studies and prediction algorithms are not available or were not evaluated, and the functional significance of this variant is currently unknown. In summary, the available evidence is currently insufficient to determine the role of this variant in disease. Therefore, it has been classified as a Variant of Uncertain Significance.

GeneDx
Classification: Uncertain significance. Last evaluated: 2020-02-13. Review status: criteria provided, single submitter. Criteria: GeneDx Variant Classification Process June 2021. Collection method: clinical testing. Allele origin: germline. Affected: yes.
Comment: Has not been previously published as pathogenic or benign to our knowledge; Not observed in large population cohorts (Lek et al., 2016); In silico analysis, which includes protein predictors and evolutionary conservation, supports a deleterious effect

NM_001042545.2(LTBP4):c.3137C>T (p.Ser1046Phe)

Gene: LTBP4 (latent transforming growth factor beta binding protein 4; plus strand). Cytogenetic location: 19q13.2.
Variant type: single nucleotide variant.
Coding change: c.3137C>T on transcript NM_001042545.2 (MANE Select); coding-DNA position 3137, C replaced by T.
Protein change: p.Ser1046Phe; replaces serine 1046 with phenylalanine.
Molecular consequence: missense variant.
Genome position (GRCh38, 1-based): chr19:40,619,413, C>T. VCF-style: chr19-40619413-C-T. GRCh37 (hg19) VCF-style: chr19-41125318-C-T.
Other names: c.3338C>T, p.Ser1113Phe (NM_001042544.1); c.3227C>T, p.Ser1076Phe (NM_003573.2); short protein forms S1046F, S1076F, S1113F.
Identifiers: ClinVar variation 1194550 (VCV001194550.4), dbSNP rs374227557, ClinGen allele CA9448923.